The following is an entry in ClinVar:

ClinVar aggregate classification (germline): Likely benign (1 of 4 stars; one submission).

Conditions:
Charcot-Marie-Tooth disease type 4H (CMT4H). Also called: CHARCOT-MARIE-TOOTH DISEASE, AUTOSOMAL RECESSIVE, TYPE 4H; CHARCOT-MARIE-TOOTH DISEASE, DEMYELINATING, AUTOSOMAL RECESSIVE, TYPE 4H; CHARCOT-MARIE-TOOTH NEUROPATHY, TYPE 4H; CHARCOT-MARIE-TOOTH DISEASE, DEMYELINATING, TYPE 4H. Identifiers: Orphanet 99954, MedGen C1836336, MONDO:0012250, OMIM 609311.

Allele frequency attached by ClinVar (database versions not stated): gnomAD 0.00167 and 0.00175; TOPMed 0.00187; 1000 Genomes Project 0.00220; 1000 Genomes Project 30x 0.00250.

Submission:

Illumina Laboratory Services, Illumina
Classification: Likely benign for Charcot-Marie-Tooth disease type 4H. Last evaluated: 2018-01-12. Review status: criteria provided, single submitter. Criteria: ICSL Variant Classification Criteria 13 December 2019. Collection method: clinical testing. Allele origin: germline.
Comment: This variant was observed in the ICSL laboratory as part of a predisposition screen in an ostensibly healthy population. It had not been previously curated by ICSL or reported in the Human Gene Mutation Database (HGMD: prior to June 1st, 2018), and was therefore a candidate for classification through an automated scoring system. Utilizing variant allele frequency, disease prevalence and penetrance estimates, and inheritance mode, an automated score was calculated to assess if this variant is too frequent to cause the disease. Based on the score and internal cut-off values, a variant classified as likely benign is not then subjected to further curation. The score for this variant resulted in a classification of likely benign for this disease.

NM_001370298.3(FGD4):c.*4585T>A

Gene: FGD4 (FYVE, RhoGEF and PH domain containing 4; plus strand). Cytogenetic location: 12p11.21.
Variant type: single nucleotide variant.
Coding change: c.*4585T>A on transcript NM_001370298.3 (MANE Select); 4585 bases downstream of the stop codon, T replaced by A.
Molecular consequence: 3 prime UTR variant.
Genome position (GRCh38, 1-based): chr12:32,645,118, T>A. VCF-style: chr12-32645118-T-A. GRCh37 (hg19) VCF-style: chr12-32798052-T-A.
Other names: c.*4585T>A (NM_001304481.2, NM_001304484.2, NM_001330373.2 and 5 more transcripts); c.*493T>A (NM_001384126.1, NM_001384127.1, NM_001384128.1).
Identifiers: ClinVar variation 883139 (VCV000883139.4), dbSNP rs140048835, ClinGen allele CA235251493.